The following is an entry in ClinVar:

ClinVar aggregate classification (germline): Benign/Likely benign. Review status: criteria provided, multiple submitters, no conflicts (2 of 4 stars). 5 submissions from 5 submitters: Benign (2); Likely benign (3). Last evaluated 2026-01-27.

Conditions:
Spermatogenic failure 18. Identifiers: MedGen C4539783, MONDO:0054615, OMIM 617576.
Ciliary dyskinesia, primary, 37 (CILD37). Also called: CILIARY DYSKINESIA, PRIMARY, 37, WITH OR WITHOUT SITUS INVERSUS. Identifiers: MedGen C4539798, MONDO:0033204, OMIM 617577.

Allele frequency attached by ClinVar (database versions not stated): ESP Exome Variant Server 0.00257; gnomAD 0.00300 and 0.00377; TOPMed 0.00304; ExAC 0.00617; 1000 Genomes Project 30x 0.00703; 1000 Genomes Project 0.00779.
gnomAD v4.1: 8,993 of 1,612,128 alleles (0.56%); highest among the groups gnomAD compares: South Asian, 2.3%; 69 homozygotes.

Submissions (5):

Labcorp Genetics (formerly Invitae), Labcorp
Classification: Benign for Ciliary dyskinesia, primary, 37; Spermatogenic failure 18. Last evaluated: 2026-01-27. Review status: criteria provided, single submitter. Criteria: Invitae Variant Classification Sherloc (09022015). Collection method: clinical testing. Allele origin: germline.

ARUP Laboratories, Molecular Genetics and Genomics, ARUP Laboratories
Classification: Benign. Last evaluated: 2025-06-24. Review status: criteria provided, single submitter. Criteria: ARUP Molecular Germline Variant Investigation Process 2024. Collection method: clinical testing. Allele origin: germline.

Mayo Clinic Laboratories, Mayo Clinic
Classification: Likely benign. Last evaluated: 2024-12-03. Review status: criteria provided, single submitter. Criteria: ACMG Guidelines, 2015. Collection method: clinical testing. Allele origin: germline. Observed: 4 variant alleles.
Comment: BS1, BS2_supporting, BP4, BP7

GeneDx
Classification: Likely benign. Last evaluated: 2018-07-09. Review status: criteria provided, single submitter. Criteria: GeneDx Variant Classification Process June 2021. Collection method: clinical testing. Allele origin: germline. Affected: yes.

Breakthrough Genomics
Classification: Likely benign. Review status: criteria provided, single submitter. Criteria: ACMG Guidelines, 2015. Collection method: not provided. Allele origin: germline. Inheritance: Autosomal recessive inheritance. Affected: yes.

NM_015512.5(DNAH1):c.4263C>T (p.Pro1421=)

Gene: DNAH1 (dynein axonemal heavy chain 1; plus strand). Cytogenetic location: 3p21.1.
Variant type: single nucleotide variant.
Coding change: c.4263C>T on transcript NM_015512.5 (MANE Select); coding-DNA position 4263, C replaced by T.
Protein change: p.Pro1421=; no amino-acid change (proline 1421 retained).
Molecular consequence: synonymous variant.
Genome position (GRCh38, 1-based): chr3:52,358,734, C>T. VCF-style: chr3-52358734-C-T. GRCh37 (hg19) VCF-style: chr3-52392750-C-T.
Other names: p.Pro1421=.
Identifiers: ClinVar variation 478447 (VCV000478447.20), dbSNP rs61739897, ClinGen allele CA2433852.
Genomic context (GRCh38, chr3:52,358,734, plus strand): 5'-GGAGCGCAGCATGAAGGCCAGTGTGCACGACATCATTGAGAAGGCCATCAGGGCCTACCC[C>T]ACGGTGAGCCGCCCGCAGCCCGTGCAGCCTTCCACCCCTGCACCCCTCTGCTCCCTCTCA-3'
Protein context (NP_056327.4, residues 1411-1431): DIIEKAIRAY[Pro1421=]TMPRTQWVLN